The following is an entry in ClinVar:

NM_001458.5(FLNC):c.1412-159G>A

Gene: FLNC (filamin C; plus strand). Cytogenetic location: 7q32.1.
Variant type: single nucleotide variant.
Coding change: c.1412-159G>A on transcript NM_001458.5 (MANE Select); 159 bases into the intron before coding-DNA position 1412, G replaced by A.
Molecular consequence: intron variant.
Genome position (GRCh38, 1-based): chr7:128,839,864, G>A. VCF-style: chr7-128839864-G-A. GRCh37 (hg19) VCF-style: chr7-128479918-G-A.
Other names: c.1412-159G>A (NM_001127487.2).
Identifiers: ClinVar variation 677467 (VCV000677467.2), dbSNP rs79279743, ClinGen allele CA166215841.

ClinVar aggregate classification (germline): Benign. Review status: criteria provided, multiple submitters, no conflicts (2 of 4 stars). 2 submissions from 2 submitters: Benign (2). Last evaluated 2018-06-19.

Allele frequency attached by ClinVar (database versions not stated): gnomAD 0.06074 and 0.06101; TOPMed 0.06505; 1000 Genomes Project 30x 0.07839; 1000 Genomes Project 0.07907.
gnomAD v4.1: 9,196 of 152,260 alleles (6%); highest among the groups gnomAD compares: African/African-American, 14%; 489 homozygotes.

Submissions (2):

GeneDx
Classification: Benign. Last evaluated: 2018-06-19. Review status: criteria provided, single submitter. Criteria: GeneDx Variant Classification (06012015). Collection method: clinical testing. Allele origin: germline. Affected: yes.
Comment: This variant is considered likely benign or benign based on one or more of the following criteria: it is a conservative change, it occurs at a poorly conserved position in the protein, it is predicted to be benign by multiple in silico algorithms, and/or has population frequency not consistent with disease.

Breakthrough Genomics
Classification: Benign. Review status: criteria provided, single submitter. Criteria: ACMG Guidelines, 2015. Collection method: not provided. Allele origin: germline. Inheritance: Autosomal dominant inheritance. Affected: yes.